The following is an entry in ClinVar:

ClinVar aggregate classification (germline): Likely benign (1 of 4 stars; one submission).

Submission:

CeGaT Center for Human Genetics Tuebingen
Classification: Likely benign. Last evaluated: 2026-02-01. Review status: criteria provided, single submitter. Criteria: CeGaT Center For Human Genetics Tuebingen Variant Classification Criteria Version 2. Collection method: clinical testing. Allele origin: germline. Affected: yes. Observed: 1 variant allele.
Comment: GCNA: PM2:Supporting, BP4, BP7

NM_052957.5(GCNA):c.516C>T (p.Asn172=)

Gene: GCNA (germ cell nuclear acidic peptidase; plus strand). Cytogenetic location: Xq13.1.
Variant type: single nucleotide variant.
Coding change: c.516C>T on transcript NM_052957.5 (MANE Select); coding-DNA position 516, C replaced by T.
Protein change: p.Asn172=; no amino-acid change (asparagine 172 retained).
Molecular consequence: synonymous variant.
Genome position (GRCh38, 1-based): chrX:71,603,793, C>T. VCF-style: chrX-71603793-C-T. GRCh37 (hg19) VCF-style: chrX-70823643-C-T.
Identifiers: ClinVar variation 4820836 (VCV004820836.4).
Genomic context (GRCh38, chrX:71,603,793, plus strand): 5'-CAGTGATGATTCGGAAGCTCCTGACGACAACAGTGATGATTCGGAAGCTCCCGACGACAA[C>T]AGTGATGATTCGGAAGCTCCCGACGACAATAGTGATGATTCGGATGTTCCCGACGACAAC-3'
Protein context (NP_443189.1, residues 162-182): NSDDSEAPDD[Asn172=]SDDSEAPDDN